The following is an entry in ClinVar:

NM_002582.4(PARN):c.1250C>G (p.Pro417Arg)

Gene: PARN (poly(A)-specific ribonuclease; minus strand). Cytogenetic location: 16p13.12.
Variant type: single nucleotide variant.
Coding change: c.1250C>G on transcript NM_002582.4 (MANE Select); coding-DNA position 1250, C replaced by G.
Protein change: p.Pro417Arg; replaces proline 417 with arginine.
Molecular consequence: missense variant.
Genome position (GRCh38, 1-based): chr16:14,580,886, G>C on the plus strand (C>G on the coding strand, the complement: PARN is on the minus strand). VCF-style: chr16-14580886-G-C. GRCh37 (hg19) VCF-style: chr16-14674743-G-C.
Other names: c.1067C>G, p.Pro356Arg (NM_001134477.3); c.1112C>G, p.Pro371Arg (NM_001242992.2); short protein forms P371R, P417R, P356R.
Identifiers: ClinVar variation 1447775 (VCV001447775.9), dbSNP rs1451726091, ClinGen allele CA394821646.

ClinVar aggregate classification (germline): Uncertain significance. Review status: criteria provided, multiple submitters, no conflicts (2 of 4 stars). 2 submissions from 2 submitters: Uncertain significance (2). Last evaluated 2022-08-23.

Conditions:
Dyskeratosis congenita, autosomal recessive 6 (DKCB6). Identifiers: MedGen C4225356, MONDO:0014600, OMIM 616353.
Pulmonary fibrosis and/or bone marrow failure, Telomere-related, 4. Also called: PULMONARY FIBROSIS AND/OR BONE MARROW FAILURE SYNDROME, TELOMERE-RELATED, 4. Identifiers: Orphanet 2032, MedGen C4225347, MONDO:0014612, OMIM 616371.

Allele frequency attached by ClinVar (database versions not stated): gnomAD exomes below 0.00001; TOPMed 0.00001; gnomAD 0.00002.
gnomAD v4.1: 4 of 1,602,194 alleles (0.00025%); highest among the groups gnomAD compares: Middle Eastern, 0.016%; no homozygotes.

Submissions (2):

Labcorp Genetics (formerly Invitae), Labcorp
Classification: Uncertain significance for Dyskeratosis congenita, autosomal recessive 6; Pulmonary fibrosis and/or bone marrow failure, Telomere-related, 4. Last evaluated: 2022-08-23. Review status: criteria provided, single submitter. Criteria: Invitae Variant Classification Sherloc (09022015). Collection method: clinical testing. Allele origin: germline.
Comment: This sequence change replaces proline, which is neutral and non-polar, with arginine, which is basic and polar, at codon 417 of the PARN protein (p.Pro417Arg). This variant is not present in population databases (gnomAD no frequency). This variant has not been reported in the literature in individuals affected with PARN-related conditions. ClinVar contains an entry for this variant (Variation ID: 1447775). Algorithms developed to predict the effect of missense changes on protein structure and function are either unavailable or do not agree on the potential impact of this missense change (SIFT: "Deleterious"; PolyPhen-2: "Probably Damaging"; Align-GVGD: "Class C0"). In summary, the available evidence is currently insufficient to determine the role of this variant in disease. Therefore, it has been classified as a Variant of Uncertain Significance.

Blueprint Genetics
Classification: Uncertain significance. Last evaluated: 2021-10-19. Review status: criteria provided, single submitter. Criteria: ACMG Guidelines, 2015. Collection method: clinical testing. Allele origin: germline.